The following is an entry in ClinVar:

ClinVar aggregate classification (germline): Pathogenic (1 of 4 stars; one submission).

Conditions:
Kabuki syndrome. Also called: NIIKAWA-KUROKI SYNDROME; Kabuki make-up syndrome. Identifiers: Orphanet 2322, MedGen C0796004, MONDO:0016512.

Submission:

Labcorp Genetics (formerly Invitae), Labcorp
Classification: Pathogenic for Kabuki syndrome. Last evaluated: 2024-10-22. Review status: criteria provided, single submitter. Criteria: Invitae Variant Classification Sherloc (09022015). Collection method: clinical testing. Allele origin: germline.
Comment: This sequence change creates a premature translational stop signal (p.Gln3943Hisfs*36) in the KMT2D gene. It is expected to result in an absent or disrupted protein product. Loss-of-function variants in KMT2D are known to be pathogenic (PMID: 22126750). This variant is not present in population databases (gnomAD no frequency). This variant has not been reported in the literature in individuals affected with KMT2D-related conditions. For these reasons, this variant has been classified as Pathogenic.

Literature cited by the submitters: PubMed 22126750.

NM_003482.4(KMT2D):c.11829del (p.Gln3943fs)

Gene: KMT2D (lysine methyltransferase 2D; minus strand). Cytogenetic location: 12q13.12.
Variant type: Deletion.
Coding change: c.11829del on transcript NM_003482.4 (MANE Select); coding-DNA position 11829, one base deleted (G; older notation c.11829delG).
Protein change: p.Gln3943fs; shifts the reading frame from glutamine 3943.
Molecular consequence: frameshift variant.
Genome position (GRCh38, 1-based): chr12:49,032,876, C deleted on the plus strand (G on the coding strand, the reverse complement: KMT2D is on the minus strand). VCF-style (leftmost placement, unchanged base first): chr12-49032875-GC-G. GRCh37 (hg19) VCF-style: chr12-49426658-GC-G.
Other names: short protein forms Q3943fs.
Identifiers: ClinVar variation 2757537 (VCV002757537.3), dbSNP rs2498360662, ClinGen allele CA2697559193.